The following is an entry in ClinVar:

NM_001429.4(EP300):c.5331C>T (p.Gly1777=)

Gene: EP300 (EP300 lysine acetyltransferase; plus strand). Cytogenetic location: 22q13.2.
Variant type: single nucleotide variant.
Coding change: c.5331C>T on transcript NM_001429.4 (MANE Select); coding-DNA position 5331, C replaced by T.
Protein change: p.Gly1777=; no amino-acid change (glycine 1777 retained).
Molecular consequence: synonymous variant.
Genome position (GRCh38, 1-based): chr22:41,177,042, C>T. VCF-style: chr22-41177042-C-T. GRCh37 (hg19) VCF-style: chr22-41573046-C-T.
Other names: c.5253C>T, p.Gly1751= (NM_001362843.2).
Identifiers: ClinVar variation 2632325 (VCV002632325.6), dbSNP rs558982627, ClinGen allele CA10253619.

ClinVar aggregate classification (germline): Likely benign. Review status: criteria provided, single submitter (1 of 4 stars). 2 submissions from 2 submitters: Likely benign (1). 1 of the submissions does not count toward it. Last evaluated 2025-09-27.

Conditions:
EP300-related disorder. Also called: EP300-related condition; EP300-related disorders.
Rubinstein-Taybi syndrome due to EP300 haploinsufficiency. Also called: EP300-Related Rubinstein-Taybi Syndrome; RUBINSTEIN-TAYBI SYNDROME 2. Identifiers: Orphanet 353284, Orphanet 783, MedGen C3150941, MONDO:0013364, OMIM 613684.

Allele frequency attached by ClinVar (database versions not stated): gnomAD 0.00002; 1000 Genomes Project 30x 0.00016; 1000 Genomes Project 0.00020.
gnomAD v4.1: 13 of 1,614,126 alleles (0.00081%); highest among the groups gnomAD compares: African/African-American, 0.0067%; no homozygotes.

Submissions (2):

Labcorp Genetics (formerly Invitae), Labcorp
Classification: Likely benign for Rubinstein-Taybi syndrome due to EP300 haploinsufficiency. Last evaluated: 2025-09-27. Review status: criteria provided, single submitter. Criteria: Invitae Variant Classification Sherloc (09022015). Collection method: clinical testing. Allele origin: germline.

PreventionGenetics, part of Exact Sciences
Classification: Uncertain significance for EP300-related condition. Last evaluated: 2023-12-24. Review status: no assertion criteria provided. Collection method: clinical testing. Allele origin: germline. Not counted in ClinVar's aggregate classification.
Comment: The EP300 c.5331C>T variant is not predicted to result in an amino acid change (p.=). To our knowledge, this variant has not been reported in the literature. This variant is reported in 0.0087% of alleles in individuals of Latino descent in gnomAD. At this time, the clinical significance of this variant is uncertain due to the absence of conclusive functional and genetic evidence.